The following is an entry in ClinVar:

NM_206933.2(USH2A):c.(?_7301)_(8223_?)del

Gene: USH2A (usherin; minus strand). Cytogenetic location: 1q41.
Variant type: Deletion.
Coding change: c.(?_7301)_(8223_?)del on transcript NM_206933.2; a large deletion whose breakpoints are not mapped to the base.
Other names: c.(?_7301)_(8223_?)del (NM_206933.2).
Identifiers: ClinVar variation 228410 (VCV000228410.5).

ClinVar aggregate classification (germline): Pathogenic (1 of 4 stars; one submission).

Conditions:
Rare genetic deafness. Identifiers: Orphanet 96210, MedGen C5680250.

Submission:

Laboratory for Molecular Medicine, Mass General Brigham Personalized Medicine
Classification: Pathogenic for Rare genetic deafness. Last evaluated: 2015-07-15. Review status: criteria provided, single submitter. Criteria: LMM Criteria. Collection method: clinical testing. Allele origin: germline. Inheritance: Autosomal recessive inheritance. Observed: 1 variant allele.
Comment: The deletion encompassing exons 39 through 41 of USH2A has not been previously r eported in individuals with hearing loss or Usher syndrome. This variant is a de letion encompassing exons 39 through 41 that likely introduces a frameshift lead ing to a truncated or absent protein. In summary, this variant meets our criteri a to be classified as pathogenic for autosomal recessive Usher syndrome based on the likely impact to the protein.